The following is an entry in ClinVar:

ClinVar aggregate classification (germline): Uncertain significance (1 of 4 stars; one submission).

Conditions:
Hereditary cancer-predisposing syndrome. Also called: Tumor predisposition; Hereditary neoplastic syndrome; Hereditary Cancer Syndrome; Neoplastic Syndromes, Hereditary. Identifiers: Orphanet 140162, MedGen C0027672, MeSH D009386, MONDO:0015356.

gnomAD v4.1: 1 of 1,613,902 alleles (0.000062%); highest among the groups gnomAD compares: Non-Finnish European, 0.000085%; no homozygotes.

Submission:

Ambry Genetics
Classification: Uncertain significance for Hereditary cancer-predisposing syndrome. Last evaluated: 2025-05-01. Review status: criteria provided, single submitter. Criteria: Ambry Variant Classification Scheme 2023. Collection method: clinical testing. Allele origin: germline.
Comment: The p.H532D variant (also known as c.1594C>G), located in coding exon 11 of the PMS2 gene, results from a C to G substitution at nucleotide position 1594. The histidine at codon 532 is replaced by aspartic acid, an amino acid with similar properties. This amino acid position is conserved. In addition, this alteration is predicted to be tolerated by in silico analysis. Based on the available evidence, the clinical significance of this variant remains unclear.

NM_000535.7(PMS2):c.1594C>G (p.His532Asp)

Gene: PMS2 (PMS1 homolog 2, mismatch repair system component; minus strand). Cytogenetic location: 7p22.1.
Variant type: single nucleotide variant.
Coding change: c.1594C>G on transcript NM_000535.7 (MANE Select); coding-DNA position 1594, C replaced by G.
Protein change: p.His532Asp; replaces histidine 532 with aspartic acid.
Molecular consequence: missense variant. On other transcripts: non-coding transcript variant (1), intron variant (1).
Genome position (GRCh38, 1-based): chr7:5,987,171, G>C on the plus strand (C>G on the coding strand, the complement: PMS2 is on the minus strand). VCF-style: chr7-5987171-G-C. GRCh37 (hg19) VCF-style: chr7-6026802-G-C.
Other names: c.1396C>G, p.His466Asp (NM_001406873.1); c.1426C>G, p.His476Asp (NM_001406874.1); c.1285C>G, p.His429Asp (NM_001406875.1, NM_001406877.1, NM_001406878.1 and 5 more transcripts); c.1276C>G, p.His426Asp (NM_001406876.1, NM_001322007.2, NM_001322008.2 and 2 more transcripts); c.1189C>G, p.His397Asp (NM_001406892.1, NM_001406893.1, NM_001406894.1 and 16 more transcripts); c.1129C>G, p.His377Asp (NM_001406900.1); c.1120C>G, p.His374Asp (NM_001406901.1, NM_001406902.1); c.1438C>G, p.His480Asp (NM_001322006.2, NM_001406870.1); and 13 more; short protein forms H221D, H341D, H420D, H424D, H532D, H540D, H275D, H361D.
Identifiers: ClinVar variation 3935133 (VCV003935133.1).